The following is an entry in ClinVar:

NM_000093.5(COL5A1):c.4805_4813del (p.Val1602_Tyr1604del)

Genes: COL5A1 (collagen type V alpha 1 chain; plus strand), LOC101448202 (uncharacterized LOC101448202; minus strand). Cytogenetic location: 9q34.3.
Variant type: Deletion.
Coding change: c.4805_4813del on transcript NM_000093.5 (MANE Select); coding-DNA positions 4805 to 4813, 9 bases deleted (TGGACTACG; older notation c.4805_4813delTGGACTACG).
Protein change: p.Val1602_Tyr1604del.
Molecular consequence: inframe deletion.
Genome position (GRCh38, 1-based): chr9:134,824,706-134,824,714, TGGACTACG deleted; deleting any 9 consecutive bases within chr9:134,824,700-134,824,714 gives the same sequence; the c. name uses the placement nearest the transcript's 3' end. VCF-style (leftmost placement, unchanged base first): chr9-134824699-AACTACGTGG-A. GRCh37 (hg19) VCF-style: chr9-137716545-AACTACGTGG-A.
Other names: c.4805_4813del, p.Val1602_Tyr1604del (NM_001278074.1).
Identifiers: ClinVar variation 1039716 (VCV001039716.10), dbSNP rs752240390, ClinGen allele CA5320480.

ClinVar aggregate classification (germline): Uncertain significance (1 of 4 stars; one submission).

Conditions:
Ehlers-Danlos syndrome, classic type, 1 (EDSCL1). Also called: EHLERS-DANLOS SYNDROME, GRAVIS TYPE; EHLERS-DANLOS SYNDROME, SEVERE CLASSIC TYPE; EDS I; Ehlers-Danlos Syndrome, Classic Type, COL5A1-Related; Ehlers-Danlos syndrome, type 1. Identifiers: MedGen C0268335, MONDO:0019567, OMIM 130000.

Submission:

Labcorp Genetics (formerly Invitae), Labcorp
Classification: Uncertain significance for Ehlers-Danlos syndrome, classic type, 1. Last evaluated: 2020-06-18. Review status: criteria provided, single submitter. Criteria: Invitae Variant Classification Sherloc (09022015). Collection method: clinical testing. Allele origin: germline.
Comment: This variant, c.4805_4813del, results in the deletion of 3 amino acid(s) of the COL5A1 protein (p.Val1602_Tyr1604del), but otherwise preserves the integrity of the reading frame. The frequency data for this variant in the population databases is considered unreliable, as metrics indicate poor data quality at this position in the ExAC database. This variant has not been reported in the literature in individuals with COL5A1-related conditions. Experimental studies and prediction algorithms are not available or were not evaluated, and the functional significance of this variant is currently unknown. In summary, the available evidence is currently insufficient to determine the role of this variant in disease. Therefore, it has been classified as a Variant of Uncertain Significance.